The following is an entry in ClinVar:

ClinVar aggregate classification (germline): Likely benign. Review status: criteria provided, multiple submitters, no conflicts (2 of 4 stars). 3 submissions from 3 submitters: Likely benign (3). Last evaluated 2026-07-01.

Conditions:
Encephalopathy, acute, infection-induced (herpes-specific), susceptibility to, 1. Also called: Herpes simplex encephalitis, susceptibility to, 1. Identifiers: Orphanet 1930, MedGen C2750180, MONDO:0024563, OMIM 610551.

Allele frequency attached by ClinVar (database versions not stated): 1000 Genomes Project 0.00100; TOPMed 0.00040; 1000 Genomes Project 30x 0.00094.
gnomAD v4.1: 413 of 1,200,286 alleles (0.034%); highest among the groups gnomAD compares: East Asian, 0.35%; 2 homozygotes.

Submissions (3):

CeGaT Center for Human Genetics Tuebingen
Classification: Likely benign. Last evaluated: 2026-07-01. Review status: criteria provided, single submitter. Criteria: CeGaT Center For Human Genetics Tuebingen Variant Classification Criteria Version 2. Collection method: clinical testing. Allele origin: germline. Affected: yes. Observed: 2 variant alleles.
Comment: UNC93B1: BP4, BP7

Labcorp Genetics (formerly Invitae), Labcorp
Classification: Likely benign for Encephalopathy, acute, infection-induced (herpes-specific), susceptibility to, 1. Last evaluated: 2025-12-15. Review status: criteria provided, single submitter. Criteria: Invitae Variant Classification Sherloc (09022015). Collection method: clinical testing. Allele origin: germline.

Blueprint Genetics
Classification: Likely benign. Last evaluated: 2024-07-01. Review status: criteria provided, single submitter. Criteria: ACMG Guidelines, 2015. Collection method: clinical testing. Allele origin: germline.

NM_030930.4(UNC93B1):c.1467G>A (p.Ser489=)

Gene: UNC93B1 (unc-93B1 regulator of TLR signaling; minus strand). Cytogenetic location: 11q13.2.
Variant type: single nucleotide variant.
Coding change: c.1467G>A on transcript NM_030930.4 (MANE Select); coding-DNA position 1467, G replaced by A.
Protein change: p.Ser489=; no amino-acid change (serine 489 retained).
Molecular consequence: synonymous variant.
Genome position (GRCh38, 1-based): chr11:67,993,691, C>T on the plus strand (G>A on the coding strand, the complement: UNC93B1 is on the minus strand). VCF-style: chr11-67993691-C-T. GRCh37 (hg19) VCF-style: chr11-67761162-C-T.
Identifiers: ClinVar variation 784570 (VCV000784570.18), dbSNP rs201959670, ClinGen allele CA6145371.